The following is an entry in ClinVar:

ClinVar aggregate classification (germline): Uncertain significance. Review status: criteria provided, single submitter (1 of 4 stars). 3 submissions from 1 submitter: Uncertain significance (3). Last evaluated 2017-04-28.

Conditions:
Tooth agenesis, selective, 4 (STHAG4). Also called: LATERAL INCISORS, ABSENCE OF; LATERAL INCISORS, PEGGED OR MISSING; TOOTH AGENESIS, SELECTIVE, 4, WITH OR WITHOUT ECTODERMAL DYSPLASIA; SUCCEDANEOUS TEETH, AGENESIS OF. Identifiers: Orphanet 99798, MedGen C1835492, MONDO:0007881, OMIM 150400. Disease mechanism: loss of function.
Schöpf-Schulz-Passarge syndrome. Also called: ECCRINE TUMORS WITH ECTODERMAL DYSPLASIA; KERATOSIS PALMOPLANTARIS WITH CYSTIC EYELIDS, HYPODONTIA, AND HYPOTRICHOSIS; SchC6pf-Schulz-Passarge syndrome. Identifiers: Orphanet 50944, MedGen C1857069, MONDO:0009145, OMIM 224750.
Odonto-onycho-dermal dysplasia. Identifiers: Orphanet 2721, MedGen C0796093, MONDO:0009773, OMIM 257980.

Allele frequency attached by ClinVar (database versions not stated): ExAC 0.00001; gnomAD 0.00002 and 0.00003; TOPMed 0.00006; 1000 Genomes Project 30x 0.00016; 1000 Genomes Project 0.00020.

Submissions (3):

Illumina Laboratory Services, Illumina
Classification: Uncertain significance for Schöpf-Schulz-Passarge syndrome. Last evaluated: 2017-04-28. Review status: criteria provided, single submitter. Criteria: ICSL Variant Classification Criteria 13 December 2019. Collection method: clinical testing. Allele origin: germline.

Illumina Laboratory Services, Illumina
Classification: Uncertain significance for Tooth agenesis, selective, 4. Last evaluated: 2017-04-28. Review status: criteria provided, single submitter. Criteria: ICSL Variant Classification Criteria 13 December 2019. Collection method: clinical testing. Allele origin: germline.
Comment: This variant was observed as part of a predisposition screen in an ostensibly healthy population. A literature search was performed for the gene, cDNA change, and amino acid change (where applicable). Publications were found based on this search. However, the evidence from the literature, in combination with allele frequency data from public databases where available, was not sufficient to rule this variant in or out of causing disease. Therefore, this variant is classified as a variant of unknown significance.

Illumina Laboratory Services, Illumina
Classification: Uncertain significance for Odonto-onycho-dermal dysplasia. Last evaluated: 2017-04-28. Review status: criteria provided, single submitter. Criteria: ICSL Variant Classification Criteria 13 December 2019. Collection method: clinical testing. Allele origin: germline.

Literature cited by the submitters: PubMed 24043634.

NM_025216.3(WNT10A):c.694C>T (p.Arg232Trp)

Gene: WNT10A (Wnt family member 10A; plus strand). Cytogenetic location: 2q35.
Variant type: single nucleotide variant.
Coding change: c.694C>T on transcript NM_025216.3 (MANE Select); coding-DNA position 694, C replaced by T.
Protein change: p.Arg232Trp; replaces arginine 232 with tryptophan.
Molecular consequence: missense variant.
Genome position (GRCh38, 1-based): chr2:218,890,301, C>T. VCF-style: chr2-218890301-C-T. GRCh37 (hg19) VCF-style: chr2-219755023-C-T.
Other names: short protein forms R232W.
Identifiers: ClinVar variation 896389 (VCV000896389.4), dbSNP rs193098360, ClinGen allele CA2114001.